The following is an entry in ClinVar:

ClinVar aggregate classification (germline): Benign. Review status: criteria provided, multiple submitters, no conflicts (2 of 4 stars). 2 submissions from 2 submitters: Benign (2). Last evaluated 2024-08-20.

Submissions (2):

Women's Health and Genetics/Laboratory Corporation of America, LabCorp
Classification: Benign. Last evaluated: 2024-08-20. Review status: criteria provided, single submitter. Criteria: LabCorp Variant Classification Summary - May 2015. Collection method: clinical testing. Allele origin: germline.
Comment: Variant summary: AGXT c.166-57_166-56ins74 is located at a position not widely known to affect splicing. The variant allele was found at a frequency of 0.14 in 1520554 control chromosomes in the gnomAD database, including 21899 homozygotes. The observed variant frequency is approximately 58.91 fold of the estimated maximal expected allele frequency for a pathogenic variant in AGXT causing Primary Hyperoxaluria Type 1 phenotype (0.0024). ClinVar contains an entry for this variant (Variation ID: 1276006). Based on the evidence outlined above, the variant was classified as benign.

GeneDx
Classification: Benign. Last evaluated: 2018-08-07. Review status: criteria provided, single submitter. Criteria: GeneDx Variant Classification Process June 2021. Collection method: clinical testing. Allele origin: germline. Affected: yes.

NM_000030.3(AGXT):c.166-57_166-56insTTCCTCACTCGGGGGGCCTGGGTCTCACCCCTGTACCCACCCACAGATCGTGGACGAGGGAAGGGGGTCACTGC

Gene: AGXT (alanine--glyoxylate aminotransferase; plus strand). Cytogenetic location: 2q37.3.
Variant type: Microsatellite.
Coding change: c.166-57_166-56insTTCCTCACTCGGGGGGCCTGGGTCTCACCCCTGTACCCACCCACAGATCGTGGACGAGGGAAGGGGGTCACTGC on transcript NM_000030.3 (MANE Select); 57 bases into the intron before coding-DNA position 166 through 56 bases into the intron before coding-DNA position 166, TTCCTCACTCGGGGGGCCTGGGTCTCACCCCTGTACCCACCCACAGATCGTGGACGAGGGAAGGGGGTCACTGC inserted.
Molecular consequence: intron variant.
Genome position: GRCh38: chr2:240,869,075-240,869,113. GRCh37 (hg19): chr2:241,808,492-241,808,530.
Identifiers: ClinVar variation 1276006 (VCV001276006.2).